The following is an entry in ClinVar:

NM_014822.4(SEC24D):c.2135A>C (p.Asn712Thr)

Gene: SEC24D (SEC24 homolog D, COPII component; minus strand). Cytogenetic location: 4q26.
Variant type: single nucleotide variant.
Coding change: c.2135A>C on transcript NM_014822.4 (MANE Select); coding-DNA position 2135, A replaced by C.
Protein change: p.Asn712Thr; replaces asparagine 712 with threonine.
Molecular consequence: missense variant.
Genome position (GRCh38, 1-based): chr4:118,740,766, T>G on the plus strand (A>C on the coding strand, the complement: SEC24D is on the minus strand). VCF-style: chr4-118740766-T-G. GRCh37 (hg19) VCF-style: chr4-119661921-T-G.
Other names: c.2138A>C, p.Asn713Thr (NM_001318066.2); short protein forms N713T, N712T.
Identifiers: ClinVar variation 733430 (VCV000733430.16), dbSNP rs146773641, ClinGen allele CA3057057.

ClinVar aggregate classification (germline): Conflicting classifications of pathogenicity. Review status: criteria provided, conflicting classifications (1 of 4 stars). 5 submissions from 5 submitters: Uncertain significance (2); Likely benign (3). Last evaluated 2025-12-24.

Conditions:
Cole-Carpenter syndrome 2 (CLCRP2). Identifiers: Orphanet 2050, MedGen C4225382, MONDO:0014573, OMIM 616294.

Allele frequency attached by ClinVar (database versions not stated): gnomAD exomes 0.00051 and 0.00090; gnomAD 0.00071; TOPMed 0.00074; 1000 Genomes Project 0.00080; ExAC 0.00095; ESP Exome Variant Server 0.00100; 1000 Genomes Project 30x 0.00109.
gnomAD v4.1: 885 of 1,613,932 alleles (0.055%); highest among the groups gnomAD compares: Admixed American, 0.15%; 6 homozygotes.

Submissions (5):

Labcorp Genetics (formerly Invitae), Labcorp
Classification: Likely benign. Last evaluated: 2025-12-24. Review status: criteria provided, single submitter. Criteria: Invitae Variant Classification Sherloc (09022015). Collection method: clinical testing. Allele origin: germline.

GeneDx
Classification: Uncertain significance. Last evaluated: 2025-07-22. Review status: criteria provided, single submitter. Criteria: GeneDx Variant Classification Process June 2021. Collection method: clinical testing. Allele origin: germline. Affected: yes.
Comment: Identified in a patient with inflammatory bowel disease in published literature (PMID: 28008999); In silico analysis supports that this missense variant has a deleterious effect on protein structure/function; This variant is associated with the following publications: (PMID: 28008999)

Blueprint Genetics
Classification: Likely benign. Last evaluated: 2024-11-26. Review status: criteria provided, single submitter. Criteria: ACMG Guidelines, 2015. Collection method: clinical testing. Allele origin: germline.

ARUP Laboratories, Molecular Genetics and Genomics, ARUP Laboratories
Classification: Likely benign for Cole-Carpenter syndrome 2. Last evaluated: 2023-03-21. Review status: criteria provided, single submitter. Criteria: ARUP Molecular Germline Variant Investigation Process 2024. Collection method: clinical testing. Allele origin: germline.

Revvity Omics, Revvity
Classification: Uncertain significance for Cole-Carpenter syndrome 2. Last evaluated: 2020-10-13. Review status: criteria provided, single submitter. Criteria: ACMG Guidelines, 2015. Collection method: clinical testing. Allele origin: germline.